The following is an entry in ClinVar:

NM_020923.3(ZDBF2):c.1873C>T (p.His625Tyr)

Gene: ZDBF2 (zinc finger DBF-type containing 2; plus strand). Cytogenetic location: 2q33.3.
Variant type: single nucleotide variant.
Coding change: c.1873C>T on transcript NM_020923.3 (MANE Select); coding-DNA position 1873, C replaced by T.
Protein change: p.His625Tyr; replaces histidine 625 with tyrosine.
Molecular consequence: missense variant.
Genome position (GRCh38, 1-based): chr2:206,306,401, C>T. VCF-style: chr2-206306401-C-T. GRCh37 (hg19) VCF-style: chr2-207171125-C-T.
Other names: c.1867C>T, p.His623Tyr (NM_001285549.2); c.1873C>T, p.His625Tyr (NM_001369654.1); short protein forms H623Y, H625Y.
Identifiers: ClinVar variation 4807318 (VCV004807318.1).

ClinVar aggregate classification (germline): Uncertain significance (1 of 4 stars; one submission).

gnomAD v4.1: 7 of 1,613,688 alleles (0.00043%); highest among the groups gnomAD compares: South Asian, 0.0044%; no homozygotes.

Submission:

Labcorp Genetics (formerly Invitae), Labcorp
Classification: Uncertain significance. Last evaluated: 2025-07-27. Review status: criteria provided, single submitter. Criteria: Invitae Variant Classification Sherloc (09022015). Collection method: clinical testing. Allele origin: germline.
Comment: This sequence change replaces histidine, which is basic and polar, with tyrosine, which is neutral and polar, at codon 625 of the ZDBF2 protein (p.His625Tyr). This variant is present in population databases (rs780627652, gnomAD 0.006%). This variant has not been reported in the literature in individuals affected with ZDBF2-related conditions. An algorithm developed to predict the effect of missense changes on protein structure and function outputs the following: PolyPhen-2: "Benign". The tyrosine amino acid residue is found in multiple mammalian species, which suggests that this missense change does not adversely affect protein function. In summary, the available evidence is currently insufficient to determine the role of this variant in disease. Therefore, it has been classified as a Variant of Uncertain Significance.